The following is an entry in ClinVar:

NM_001376.5(DYNC1H1):c.2668C>G (p.Leu890Val)

Gene: DYNC1H1 (dynein cytoplasmic 1 heavy chain 1; plus strand). Cytogenetic location: 14q32.31.
Variant type: single nucleotide variant.
Coding change: c.2668C>G on transcript NM_001376.5 (MANE Select); coding-DNA position 2668, C replaced by G.
Protein change: p.Leu890Val; replaces leucine 890 with valine.
Molecular consequence: missense variant.
Genome position (GRCh38, 1-based): chr14:101,987,582, C>G. VCF-style: chr14-101987582-C-G. GRCh37 (hg19) VCF-style: chr14-102453919-C-G.
Other names: short protein forms L890V.
Identifiers: ClinVar variation 3633082 (VCV003633082.3).

ClinVar aggregate classification (germline): Uncertain significance. Review status: criteria provided, multiple submitters, no conflicts (2 of 4 stars). 2 submissions from 2 submitters: Uncertain significance (2). Last evaluated 2024-08-28.

Conditions:
Charcot-Marie-Tooth disease axonal type 2O. Also called: CHARCOT-MARIE-TOOTH NEUROPATHY, AXONAL, TYPE 2O; CHARCOT-MARIE-TOOTH DISEASE, AXONAL, AUTOSOMAL DOMINANT, TYPE 2O; Charcot-Marie-Tooth Neuropathy Type 2O; Charcot-Marie-Tooth disease, axonal, type 20. Identifiers: Orphanet 284232, MedGen C3280220, MONDO:0013644, OMIM 614228.

Submissions (2):

GeneDx
Classification: Uncertain significance. Last evaluated: 2024-08-28. Review status: criteria provided, single submitter. Criteria: GeneDx Variant Classification Process June 2021. Collection method: clinical testing. Allele origin: germline. Affected: yes.
Comment: Not observed at significant frequency in large population cohorts (gnomAD); In silico analysis indicates that this missense variant does not alter protein structure/function; Has not been previously published as pathogenic or benign to our knowledge; This variant is associated with the following publications: (PMID: 25609763, 25512093, 26100331)

Labcorp Genetics (formerly Invitae), Labcorp
Classification: Uncertain significance for Charcot-Marie-Tooth disease axonal type 2O. Last evaluated: 2024-02-07. Review status: criteria provided, single submitter. Criteria: Invitae Variant Classification Sherloc (09022015). Collection method: clinical testing. Allele origin: germline.
Comment: This sequence change replaces leucine, which is neutral and non-polar, with valine, which is neutral and non-polar, at codon 890 of the DYNC1H1 protein (p.Leu890Val). This variant is not present in population databases (gnomAD no frequency). This variant has not been reported in the literature in individuals affected with DYNC1H1-related conditions. Advanced modeling of protein sequence and biophysical properties (such as structural, functional, and spatial information, amino acid conservation, physicochemical variation, residue mobility, and thermodynamic stability) has been performed at Invitae for this missense variant, however the output from this modeling did not meet the statistical confidence thresholds required to predict the impact of this variant on DYNC1H1 protein function. In summary, the available evidence is currently insufficient to determine the role of this variant in disease. Therefore, it has been classified as a Variant of Uncertain Significance.